The following is an entry in ClinVar:

NM_006922.4(SCN3A):c.1553G>A (p.Gly518Glu)

Gene: SCN3A (sodium voltage-gated channel alpha subunit 3; minus strand). Cytogenetic location: 2q24.3.
Variant type: single nucleotide variant.
Coding change: c.1553G>A on transcript NM_006922.4 (MANE Select); coding-DNA position 1553, G replaced by A.
Protein change: p.Gly518Glu; replaces glycine 518 with glutamic acid.
Molecular consequence: missense variant.
Genome position (GRCh38, 1-based): chr2:165,146,857, C>T on the plus strand (G>A on the coding strand, the complement: SCN3A is on the minus strand). VCF-style: chr2-165146857-C-T. GRCh37 (hg19) VCF-style: chr2-166003367-C-T.
Other names: c.1553G>A, p.Gly518Glu (NM_001081676.2, NM_001081677.2); short protein forms G518E.
Identifiers: ClinVar variation 3360435 (VCV003360435.1).

ClinVar aggregate classification (germline): Uncertain significance (1 of 4 stars; one submission).

Submission:

GeneDx
Classification: Uncertain significance. Last evaluated: 2023-06-26. Review status: criteria provided, single submitter. Criteria: GeneDx Variant Classification Process June 2021. Collection method: clinical testing. Allele origin: germline. Affected: yes.
Comment: Not observed at significant frequency in large population cohorts (gnomAD); In silico analysis supports that this missense variant does not alter protein structure/function; Has not been previously published as pathogenic or benign to our knowledge